The following is an entry in ClinVar:

NM_014780.5(CUL7):c.2317C>T (p.Arg773Trp)

Gene: CUL7 (cullin 7; minus strand). Cytogenetic location: 6p21.1.
Variant type: single nucleotide variant.
Coding change: c.2317C>T on transcript NM_014780.5 (MANE Select); coding-DNA position 2317, C replaced by T.
Protein change: p.Arg773Trp; replaces arginine 773 with tryptophan.
Molecular consequence: missense variant.
Genome position (GRCh38, 1-based): chr6:43,046,960, G>A on the plus strand (C>T on the coding strand, the complement: CUL7 is on the minus strand). VCF-style: chr6-43046960-G-A. GRCh37 (hg19) VCF-style: chr6-43014698-G-A.
Other names: c.2413C>T, p.Arg805Trp (NM_001168370.2, NM_001374872.1); c.2317C>T, p.Arg773Trp (NM_001374873.1, NM_001374874.1); short protein forms R805W, R773W.
Identifiers: ClinVar variation 1469681 (VCV001469681.7), dbSNP rs1358890131, ClinGen allele CA364217038.

ClinVar aggregate classification (germline): Uncertain significance (1 of 4 stars; one submission).

Allele frequency attached by ClinVar (database versions not stated): gnomAD exomes below 0.00001.
gnomAD v4.1: 30 of 1,613,168 alleles (0.0019%); highest among the groups gnomAD compares: East Asian, 0.036%; no homozygotes.

Submission:

Labcorp Genetics (formerly Invitae), Labcorp
Classification: Uncertain significance. Last evaluated: 2021-03-21. Review status: criteria provided, single submitter. Criteria: Invitae Variant Classification Sherloc (09022015). Collection method: clinical testing. Allele origin: germline.
Comment: In summary, the available evidence is currently insufficient to determine the role of this variant in disease. Therefore, it has been classified as a Variant of Uncertain Significance. Algorithms developed to predict the effect of missense changes on protein structure and function are either unavailable or do not agree on the potential impact of this missense change (SIFT: "Deleterious"; PolyPhen-2: "Probably Damaging"; Align-GVGD: "Class C0"). This variant has not been reported in the literature in individuals with CUL7-related conditions. This variant is not present in population databases (ExAC no frequency). This sequence change replaces arginine with tryptophan at codon 773 of the CUL7 protein (p.Arg773Trp). The arginine residue is highly conserved and there is a moderate physicochemical difference between arginine and tryptophan.